The following is an entry in ClinVar:

NM_000135.4(FANCA):c.5C>T (p.Ser2Phe)

Genes: FANCA (FA complementation group A; minus strand), LOC112486223 (Sharpr-MPRA regulatory region 3988; plus strand). Cytogenetic location: 16q24.3.
Variant type: single nucleotide variant.
Coding change: c.5C>T on transcript NM_000135.4 (MANE Select); coding-DNA position 5, C replaced by T.
Protein change: p.Ser2Phe; replaces serine 2 with phenylalanine.
Molecular consequence: missense variant.
Genome position (GRCh38, 1-based): chr16:89,816,611, G>A on the plus strand (C>T on the coding strand, the complement: FANCA is on the minus strand). VCF-style: chr16-89816611-G-A. GRCh37 (hg19) VCF-style: chr16-89883019-G-A.
Other names: c.5C>T, p.Ser2Phe (NM_001018112.3, NM_001286167.3, NM_001351830.2); short protein forms S2F.
Identifiers: ClinVar variation 834449 (VCV000834449.4), dbSNP rs928016876, ClinGen allele CA286612857.

ClinVar aggregate classification (germline): Uncertain significance. Review status: criteria provided, multiple submitters, no conflicts (2 of 4 stars). 2 submissions from 2 submitters: Uncertain significance (2). Last evaluated 2024-01-08.

Conditions:
Fanconi anemia complementation group A (FANCA). Also called: FANCA-Related Fanconi Anemia; Fanconi anemia, group A. Identifiers: Orphanet 84, MedGen C3469521, MONDO:0009215, OMIM 227650.
Fanconi anemia (FA). Also called: Fanconi's anemia. Identifiers: Orphanet 84, MedGen C0015625, MeSH D005199, MONDO:0019391.

Allele frequency attached by ClinVar (database versions not stated): TOPMed 0.00006.
gnomAD v4.1: 22 of 1,525,038 alleles (0.0014%); highest among the groups gnomAD compares: African/African-American, 0.0028%; no homozygotes.

Submissions (2):

Fulgent Genetics
Classification: Uncertain significance for Fanconi anemia complementation group A. Last evaluated: 2024-01-08. Review status: criteria provided, single submitter. Criteria: ACMG Guidelines, 2015. Collection method: clinical testing. Allele origin: germline.

Labcorp Genetics (formerly Invitae), Labcorp
Classification: Uncertain significance for Fanconi anemia. Last evaluated: 2022-09-24. Review status: criteria provided, single submitter. Criteria: Invitae Variant Classification Sherloc (09022015). Collection method: clinical testing. Allele origin: germline.
Comment: This sequence change replaces serine, which is neutral and polar, with phenylalanine, which is neutral and non-polar, at codon 2 of the FANCA protein (p.Ser2Phe). This variant is not present in population databases (gnomAD no frequency). This variant has not been reported in the literature in individuals affected with FANCA-related conditions. ClinVar contains an entry for this variant (Variation ID: 834449). Advanced modeling of protein sequence and biophysical properties (such as structural, functional, and spatial information, amino acid conservation, physicochemical variation, residue mobility, and thermodynamic stability) performed at Invitae indicates that this missense variant is expected to disrupt FANCA protein function. In summary, the available evidence is currently insufficient to determine the role of this variant in disease. Therefore, it has been classified as a Variant of Uncertain Significance.